The following is an entry in ClinVar:

NM_000263.4(NAGLU):c.1883C>T (p.Ala628Val)

Gene: NAGLU (N-acetyl-alpha-glucosaminidase; plus strand). Cytogenetic location: 17q21.2.
Variant type: single nucleotide variant.
Coding change: c.1883C>T on transcript NM_000263.4 (MANE Select); coding-DNA position 1883, C replaced by T.
Protein change: p.Ala628Val; replaces alanine 628 with valine.
Molecular consequence: missense variant.
Genome position (GRCh38, 1-based): chr17:42,543,889, C>T. VCF-style: chr17-42543889-C-T. GRCh37 (hg19) VCF-style: chr17-40695907-C-T.
Other names: short protein forms A628V.
Identifiers: ClinVar variation 2076027 (VCV002076027.1), dbSNP rs535336259, ClinGen allele CA8577112.
Genomic context (GRCh38, chr17:42,543,889, plus strand): 5'-AGGTGCTGGCTAGTGACAGCCGCTTCTTGCTGGGCAGCTGGCTAGAGCAGGCCCGAGCAG[C>T]GGCAGTCAGTGAGGCCGAGGCCGATTTCTACGAGCAGAACAGCCGCTACCAGCTGACCTT-3'
Protein context (NP_000254.2, residues 618-638): LGSWLEQARA[Ala628Val]AVSEAEADFY

ClinVar aggregate classification (germline): Uncertain significance (1 of 4 stars; one submission).

Conditions:
Charcot-Marie-Tooth disease axonal type 2V. Also called: CHARCOT-MARIE-TOOTH NEUROPATHY, TYPE 2V; CHARCOT-MARIE-TOOTH DISEASE, AXONAL, AUTOSOMAL DOMINANT, TYPE 2V. Identifiers: Orphanet 447964, MedGen C5569050, MONDO:0014665, OMIM 616491.
Mucopolysaccharidosis, MPS-III-B (MPS3B). Also called: N-ACETYL-ALPHA-D-GLUCOSAMINIDASE DEFICIENCY; NAGLU DEFICIENCY; SANFILIPPO SYNDROME B; MPS III B; MUCOPOLYSACCHARIDOSIS, TYPE IIIB; MPS IIIB (Sanfilippo Syndrome Type B). Identifiers: Orphanet 79270, MedGen C0086648, MONDO:0009656, OMIM 252920.

Allele frequency attached by ClinVar (database versions not stated): gnomAD 0.00002; gnomAD exomes 0.00001; TOPMed 0.00002; ExAC 0.00003.
gnomAD v4.1: 19 of 1,604,758 alleles (0.0012%); highest among the groups gnomAD compares: Admixed American, 0.0051%; no homozygotes.

Submission:

Labcorp Genetics (formerly Invitae), Labcorp
Classification: Uncertain significance for Charcot-Marie-Tooth disease axonal type 2V; Mucopolysaccharidosis, MPS-III-B. Last evaluated: 2022-08-16. Review status: criteria provided, single submitter. Criteria: Invitae Variant Classification Sherloc (09022015). Collection method: clinical testing. Allele origin: germline.
Comment: This sequence change replaces alanine, which is neutral and non-polar, with valine, which is neutral and non-polar, at codon 628 of the NAGLU protein (p.Ala628Val). The frequency data for this variant in the population databases is considered unreliable, as metrics indicate poor data quality at this position in the gnomAD database. This variant has not been reported in the literature in individuals affected with NAGLU-related conditions. Advanced modeling of protein sequence and biophysical properties (such as structural, functional, and spatial information, amino acid conservation, physicochemical variation, residue mobility, and thermodynamic stability) performed at Invitae indicates that this missense variant is not expected to disrupt NAGLU protein function. In summary, the available evidence is currently insufficient to determine the role of this variant in disease. Therefore, it has been classified as a Variant of Uncertain Significance.